The following is an entry in ClinVar:

ClinVar aggregate classification (germline): Conflicting classifications of pathogenicity. Review status: criteria provided, conflicting classifications (1 of 4 stars). 2 submissions from 2 submitters: Uncertain significance (1); Likely benign (1). Last evaluated 2025-08-10.

Conditions:
Dilated cardiomyopathy 1HH (CMD1HH). Identifiers: Orphanet 154, MedGen C3151293, MONDO:0013479, OMIM 613881.
Myofibrillar myopathy 6. Identifiers: Orphanet 199340, MedGen C2751831, MONDO:0013061, OMIM 612954.
Cardiovascular phenotype. Identifiers: MedGen CN230736.

Allele frequency attached by ClinVar (database versions not stated): gnomAD exomes below 0.00001; TOPMed below 0.00001; ExAC 0.00001.

Submissions (2):

Labcorp Genetics (formerly Invitae), Labcorp
Classification: Uncertain significance for Dilated cardiomyopathy 1HH; Myofibrillar myopathy 6. Last evaluated: 2025-08-10. Review status: criteria provided, single submitter. Criteria: Invitae Variant Classification Sherloc (09022015). Collection method: clinical testing. Allele origin: germline.
Comment: This sequence change replaces methionine, which is neutral and non-polar, with valine, which is neutral and non-polar, at codon 10 of the BAG3 protein (p.Met10Val). This variant is present in population databases (rs779929078, gnomAD 0.001%). This variant has not been reported in the literature in individuals affected with BAG3-related conditions. ClinVar contains an entry for this variant (Variation ID: 1409128). An algorithm developed to predict the effect of missense changes on protein structure and function outputs the following: PolyPhen-2: "Benign". The valine amino acid residue is found in multiple mammalian species, which suggests that this missense change does not adversely affect protein function. In summary, the available evidence is currently insufficient to determine the role of this variant in disease. Therefore, it has been classified as a Variant of Uncertain Significance.

Ambry Genetics
Classification: Likely benign for Cardiovascular phenotype. Last evaluated: 2024-03-27. Review status: criteria provided, single submitter. Criteria: Ambry Variant Classification Scheme 2023. Collection method: clinical testing. Allele origin: germline.

NM_004281.4(BAG3):c.28A>G (p.Met10Val)

Gene: BAG3 (BAG cochaperone 3; plus strand). Cytogenetic location: 10q26.11.
Variant type: single nucleotide variant.
Coding change: c.28A>G on transcript NM_004281.4 (MANE Select); coding-DNA position 28, A replaced by G.
Protein change: p.Met10Val; replaces methionine 10 with valine.
Molecular consequence: missense variant.
Genome position (GRCh38, 1-based): chr10:119,651,703, A>G. VCF-style: chr10-119651703-A-G. GRCh37 (hg19) VCF-style: chr10-121411215-A-G.
Other names: c.28A>G (NM_004281.3); short protein forms M10V.
Identifiers: ClinVar variation 1409128 (VCV001409128.8), dbSNP rs779929078, ClinGen allele CA5716204.